The following is an entry in ClinVar:

NM_018139.3(DNAAF2):c.144C>A (p.Asn48Lys)

Gene: DNAAF2 (dynein axonemal assembly factor 2; minus strand). Cytogenetic location: 14q21.3.
Variant type: single nucleotide variant.
Coding change: c.144C>A on transcript NM_018139.3 (MANE Select); coding-DNA position 144, C replaced by A.
Protein change: p.Asn48Lys; replaces asparagine 48 with lysine.
Molecular consequence: missense variant.
Genome position (GRCh38, 1-based): chr14:49,635,006, G>T on the plus strand (C>A on the coding strand, the complement: DNAAF2 is on the minus strand). VCF-style: chr14-49635006-G-T. GRCh37 (hg19) VCF-style: chr14-50101724-G-T.
Other names: c.144C>A, p.Asn48Lys (NM_001083908.2); short protein forms N48K.
Identifiers: ClinVar variation 226577 (VCV000226577.28), dbSNP rs116185352, ClinGen allele CA7173152.

ClinVar aggregate classification (germline): Benign. Review status: criteria provided, multiple submitters, no conflicts (2 of 4 stars). 8 submissions from 8 submitters: Benign (8). Last evaluated 2026-01-27.

Conditions:
Primary ciliary dyskinesia. Also called: Ciliary dyskinesia. Identifiers: Orphanet 244, MedGen C0008780, MONDO:0016575, HP:0012265.
Primary ciliary dyskinesia 10. Also called: CILIARY DYSKINESIA, PRIMARY, 10, WITH OR WITHOUT SITUS INVERSUS. Identifiers: Orphanet 244, MedGen C2675867, MONDO:0012918, OMIM 612518.

Allele frequency attached by ClinVar (database versions not stated): gnomAD 0.00997 and 0.01062; 1000 Genomes Project 0.01058; gnomAD exomes 0.00209; ExAC 0.00417; ESP Exome Variant Server 0.00763; TOPMed 0.01062; 1000 Genomes Project 30x 0.01156.
gnomAD v4.1: 2,891 of 1,568,222 alleles (0.18%); highest among the groups gnomAD compares: African/African-American, 3.5%; 59 homozygotes.

Submissions (8):

Labcorp Genetics (formerly Invitae), Labcorp
Classification: Benign for Primary ciliary dyskinesia. Last evaluated: 2026-01-27. Review status: criteria provided, single submitter. Criteria: Invitae Variant Classification Sherloc (09022015). Collection method: clinical testing. Allele origin: germline.

ARUP Laboratories, Molecular Genetics and Genomics, ARUP Laboratories
Classification: Benign for Primary ciliary dyskinesia 10. Last evaluated: 2024-06-10. Review status: criteria provided, single submitter. Criteria: ARUP Molecular Germline Variant Investigation Process 2024. Collection method: clinical testing. Allele origin: germline.

Illumina Laboratory Services, Illumina
Classification: Benign for Primary ciliary dyskinesia 10. Last evaluated: 2018-01-13. Review status: criteria provided, single submitter. Criteria: ICSL Variant Classification Criteria 13 December 2019. Collection method: clinical testing. Allele origin: germline.
Comment: This variant was observed in the ICSL laboratory as part of a predisposition screen in an ostensibly healthy population. It had not been previously curated by ICSL or reported in the Human Gene Mutation Database (HGMD: prior to June 1st, 2018), and was therefore a candidate for classification through an automated scoring system. Utilizing variant allele frequency, disease prevalence and penetrance estimates, and inheritance mode, an automated score was calculated to assess if this variant is too frequent to cause the disease. Based on the score and internal cut-off values, a variant classified as benign is not then subjected to further curation. The score for this variant resulted in a classification of benign for this disease.

Eurofins Ntd Llc (ga)
Classification: Benign. Last evaluated: 2015-07-09. Review status: criteria provided, single submitter. Criteria: EGL Classification Definitions 2015. Collection method: clinical testing. Allele origin: germline. Observed: 1 variant allele, 1 heterozygote.

Ambry Genetics
Classification: Benign for Primary ciliary dyskinesia. Last evaluated: 2015-01-16. Review status: criteria provided, single submitter. Criteria: Ambry Variant Classification Scheme 2023. Collection method: clinical testing. Allele origin: germline.

Laboratory for Molecular Medicine, Mass General Brigham Personalized Medicine
Classification: Benign. Last evaluated: 2013-02-21. Review status: criteria provided, single submitter. Criteria: LMM Criteria. Collection method: clinical testing. Allele origin: germline. Observed: 1 variant allele.
Comment: Asn48Lys in exon 1 of DNAAF2: This variant is not expected to have clinical sign ificance because it has been identified in 2.4% (88/3682) of African American ch romosomes from a broad population by the NHLBI Exome Sequencing Project (dbSNP rs116185352).

Breakthrough Genomics
Classification: Benign. Review status: criteria provided, single submitter. Criteria: ACMG Guidelines, 2015. Collection method: not provided. Allele origin: germline. Inheritance: Autosomal recessive inheritance. Affected: yes.

PreventionGenetics, part of Exact Sciences
Classification: Benign. Review status: criteria provided, single submitter. Criteria: ACMG Guidelines, 2015. Collection method: clinical testing. Allele origin: germline.